The following is an entry in ClinVar:

NM_001369268.1(ACAN):c.4639G>A (p.Gly1547Arg)

Gene: ACAN (aggrecan; plus strand). Cytogenetic location: 15q26.1.
Variant type: single nucleotide variant.
Coding change: c.4639G>A on transcript NM_001369268.1 (MANE Select); coding-DNA position 4639, G replaced by A.
Protein change: p.Gly1547Arg; replaces glycine 1547 with arginine.
Molecular consequence: missense variant.
Genome position (GRCh38, 1-based): chr15:88,857,224, G>A. VCF-style: chr15-88857224-G-A. GRCh37 (hg19) VCF-style: chr15-89400455-G-A.
Other names: c.4639G>A, p.Gly1547Arg (NM_001135.4, NM_013227.4); short protein forms G1547R.
Identifiers: ClinVar variation 385305 (VCV000385305.6), dbSNP rs368770768, ClinGen allele CA7720089.

ClinVar aggregate classification (germline): Uncertain significance. Review status: criteria provided, multiple submitters, no conflicts (2 of 4 stars). 2 submissions from 2 submitters: Uncertain significance (2). Last evaluated 2025-05-21.

Conditions:
Inborn genetic diseases. Identifiers: MedGen C0950123, MeSH D030342.

Allele frequency attached by ClinVar (database versions not stated): gnomAD 0.00007 and 0.00006; ESP Exome Variant Server 0.00008; gnomAD exomes 0.00010 and 0.00018; ExAC 0.00017; 1000 Genomes Project 0.00020; TOPMed 0.00012; 1000 Genomes Project 30x 0.00031.
gnomAD v4.1: 167 of 1,613,784 alleles (0.01%); highest among the groups gnomAD compares: Middle Eastern, 0.12%; no homozygotes.

Submissions (2):

Ambry Genetics
Classification: Uncertain significance for Inborn genetic diseases. Last evaluated: 2025-05-21. Review status: criteria provided, single submitter. Criteria: Ambry Variant Classification Scheme 2023. Collection method: clinical testing. Allele origin: germline.

GeneDx
Classification: Uncertain significance. Last evaluated: 2017-06-22. Review status: criteria provided, single submitter. Criteria: GeneDx Variant Classification (06012015). Collection method: clinical testing. Allele origin: germline. Affected: yes.
Comment: The G1547R variant in the ACAN gene has not been reported previously as a pathogenic variant, nor as a benign variant, to our knowledge. The G1547R variant was not observed at any significant frequency in approximately 5,900 individuals of European and African American ancestry in the NHLBI Exome Sequencing Project, indicating it is not a common benign variant in these populations. The G1547R variant is a non-conservative amino acid substitution, which is likely to impact secondary protein structure as these residues differ in polarity, charge, size and/or other properties. However, this substitution occurs at a position that is not conserved. In silico analysis is inconsistent in its predictions as to whether or not the variant is damaging to the protein structure/function. We interpret G1547R as a variant of uncertain significance.